The following is an entry in ClinVar:

ClinVar aggregate classification (germline): Uncertain significance (1 of 4 stars; one submission).

Conditions:
Acromesomelic dysplasia 1, Maroteaux type (AMD1). Also called: ST. HELENA DYSPLASIA; ACROMESOMELIC DYSPLASIA 1. Identifiers: Orphanet 40, MedGen C1864356, MONDO:0011275, OMIM 602875.
Tall stature-scoliosis-macrodactyly of the great toes syndrome. Also called: Epiphyseal chondrodysplasia, miura type. Identifiers: Orphanet 329191, MedGen C4014690, MONDO:0014401, OMIM 615923.

Submission:

Labcorp Genetics (formerly Invitae), Labcorp
Classification: Uncertain significance for Tall stature-scoliosis-macrodactyly of the great toes syndrome; Acromesomelic dysplasia 1, Maroteaux type. Last evaluated: 2024-11-23. Review status: criteria provided, single submitter. Criteria: Invitae Variant Classification Sherloc (09022015). Collection method: clinical testing. Allele origin: germline.
Comment: This sequence change replaces proline, which is neutral and non-polar, with glutamine, which is neutral and polar, at codon 81 of the NPR2 protein (p.Pro81Gln). This variant is not present in population databases (gnomAD no frequency). This variant has not been reported in the literature in individuals affected with NPR2-related conditions. Invitae Evidence Modeling of protein sequence and biophysical properties (such as structural, functional, and spatial information, amino acid conservation, physicochemical variation, residue mobility, and thermodynamic stability) indicates that this missense variant is not expected to disrupt NPR2 protein function with a negative predictive value of 80%. In summary, the available evidence is currently insufficient to determine the role of this variant in disease. Therefore, it has been classified as a Variant of Uncertain Significance.

NM_003995.4(NPR2):c.242C>A (p.Pro81Gln)

Gene: NPR2 (natriuretic peptide receptor 2; plus strand). Cytogenetic location: 9p13.3.
Variant type: single nucleotide variant.
Coding change: c.242C>A on transcript NM_003995.4 (MANE Select); coding-DNA position 242, C replaced by A.
Protein change: p.Pro81Gln; replaces proline 81 with glutamine.
Molecular consequence: missense variant.
Genome position (GRCh38, 1-based): chr9:35,792,650, C>A. VCF-style: chr9-35792650-C-A. GRCh37 (hg19) VCF-style: chr9-35792647-C-A.
Other names: c.242C>A, p.Pro81Gln (NM_001378923.1); short protein forms P81Q.
Identifiers: ClinVar variation 3762555 (VCV003762555.2).